The following is an entry in ClinVar:

NM_000350.3(ABCA4):c.6094C>T (p.His2032Tyr)

Gene: ABCA4 (ATP binding cassette subfamily A member 4; minus strand). Cytogenetic location: 1p22.1.
Variant type: single nucleotide variant.
Coding change: c.6094C>T on transcript NM_000350.3 (MANE Select); coding-DNA position 6094, C replaced by T.
Protein change: p.His2032Tyr; replaces histidine 2032 with tyrosine.
Molecular consequence: missense variant.
Genome position (GRCh38, 1-based): chr1:94,005,494, G>A on the plus strand (C>T on the coding strand, the complement: ABCA4 is on the minus strand). VCF-style: chr1-94005494-G-A. GRCh37 (hg19) VCF-style: chr1-94471050-G-A.
Other names: c.5872C>T, p.His1958Tyr (NM_001425324.1); short protein forms H2032Y, H1958Y.
Identifiers: ClinVar variation 866474 (VCV000866474.12), dbSNP rs183398940, ClinGen allele CA26835427.

ClinVar aggregate classification (germline): Conflicting classifications of pathogenicity. Review status: criteria provided, conflicting classifications (1 of 4 stars). 3 submissions from 3 submitters: Pathogenic (1); Uncertain significance (1). 1 of the submissions does not count toward it. Last evaluated 2025-08-10.

Conditions:
Severe early-childhood-onset retinal dystrophy (STGD1). Also called: Stargardt macular dystrophy; Juvenile onset macular degeneration; Stargardt disease 1; MACULAR DYSTROPHY WITH FLECKS, TYPE 1; STGD. Identifiers: Orphanet 364055, Orphanet 827, MedGen C1855465, MeSH D000080362, MONDO:0009549, OMIM 248200.

Allele frequency attached by ClinVar (database versions not stated): 1000 Genomes Project 30x 0.00016; 1000 Genomes Project 0.00020.
gnomAD v4.1: 1 of 1,614,146 alleles (0.000062%); highest among the groups gnomAD compares: Admixed American, 0.0017%; no homozygotes.

Submissions (3):

Labcorp Genetics (formerly Invitae), Labcorp
Classification: Pathogenic. Last evaluated: 2025-08-10. Review status: criteria provided, single submitter. Criteria: Invitae Variant Classification Sherloc (09022015). Collection method: clinical testing. Allele origin: germline.
Comment: This sequence change replaces histidine, which is basic and polar, with tyrosine, which is neutral and polar, at codon 2032 of the ABCA4 protein (p.His2032Tyr). This variant is not present in population databases (gnomAD no frequency). This missense change has been observed in individual(s) with Stargardt disease (internal data). ClinVar contains an entry for this variant (Variation ID: 866474). Invitae Evidence Modeling of protein sequence and biophysical properties (such as structural, functional, and spatial information, amino acid conservation, physicochemical variation, residue mobility, and thermodynamic stability) indicates that this missense variant is expected to disrupt ABCA4 protein function with a positive predictive value of 95%. This variant disrupts the p.His2032 amino acid residue in ABCA4. Other variant(s) that disrupt this residue have been determined to be pathogenic (PMID: 24763286, 33090715; internal data). This suggests that this residue is clinically significant, and that variants that disrupt this residue are likely to be disease-causing. For these reasons, this variant has been classified as Pathogenic.

Blueprint Genetics
Classification: Uncertain significance. Last evaluated: 2019-09-09. Review status: criteria provided, single submitter. Criteria: ACMG Guidelines, 2015. Collection method: clinical testing. Allele origin: germline.

Ophthalmo-Genetics Lab, Instituto de Oftalmologia Conde de Valenciana
Classification: Pathogenic for Severe early-childhood-onset retinal dystrophy. Review status: no assertion criteria provided. Collection method: research. Allele origin: germline. Inheritance: Autosomal recessive inheritance. Affected: yes. Not counted in ClinVar's aggregate classification.

Literature cited by the submitters: PubMed 24763286 (cited by Labcorp Genetics (formerly Invitae), Labcorp); PubMed 33090715 (cited by Labcorp Genetics (formerly Invitae), Labcorp); PubMed 31934596 (cited by Ophthalmo-Genetics Lab, Instituto de Oftalmologia Conde de Valenciana).